The following is an entry in ClinVar:

NM_000455.5(STK11):c.267del (p.Asn90fs)

Gene: STK11 (serine/threonine kinase 11; plus strand). Cytogenetic location: 19p13.3.
Variant type: Deletion.
Coding change: c.267del on transcript NM_000455.5 (MANE Select); coding-DNA position 267, one base deleted (C; older notation c.267delC).
Protein change: p.Asn90fs; shifts the reading frame from asparagine 90.
Molecular consequence: frameshift variant.
Genome position (GRCh38, 1-based): chr19:1,207,180, C deleted; the last of 4 consecutive C bases (chr19:1,207,177-1,207,180); deleting any one gives the same sequence. VCF-style (leftmost placement, unchanged base first): chr19-1207176-TC-T. GRCh37 (hg19) VCF-style: chr19-1207175-TC-T.
Other names: c.267delC, p.Asn90Thrfs (NM_001407255.1); short protein forms N90fs.
Identifiers: ClinVar variation 1794664 (VCV001794664.2), dbSNP rs2512921774, ClinGen allele CA2580096064.

ClinVar aggregate classification (germline): Pathogenic (1 of 4 stars; one submission).

Conditions:
Hereditary cancer-predisposing syndrome. Also called: Tumor predisposition; Hereditary Cancer Syndrome; Neoplastic Syndromes, Hereditary; Hereditary neoplastic syndrome. Identifiers: Orphanet 140162, MedGen C0027672, MeSH D009386, MONDO:0015356.

Submission:

Ambry Genetics
Classification: Pathogenic for Hereditary cancer-predisposing syndrome. Last evaluated: 2022-05-29. Review status: criteria provided, single submitter. Criteria: Ambry Variant Classification Scheme 2023. Collection method: clinical testing. Allele origin: germline.
Comment: The c.267delC pathogenic mutation, located in coding exon 1 of the STK11 gene, results from a deletion of one nucleotide at nucleotide position 267, causing a translational frameshift with a predicted alternate stop codon (p.N90Tfs*6). This alteration has been observed in at least one individual with a personal and/or family history that is consistent with STK11-related disease (Ambry internal data). This variant is considered to be rare based on population cohorts in the Genome Aggregation Database (gnomAD). This alteration is expected to result in loss of function by premature protein truncation or nonsense-mediated mRNA decay. As such, this alteration is interpreted as a disease-causing mutation.